The following is an entry in ClinVar:

NM_173354.5(SIK1):c.409G>A (p.Val137Met)

Gene: SIK1 (salt inducible kinase 1; minus strand). Cytogenetic location: 21q22.3.
Variant type: single nucleotide variant.
Coding change: c.409G>A on transcript NM_173354.5 (MANE Select); coding-DNA position 409, G replaced by A.
Protein change: p.Val137Met; replaces valine 137 with methionine.
Molecular consequence: missense variant.
Genome position (GRCh38, 1-based): chr21:43,421,728, C>T on the plus strand (G>A on the coding strand, the complement: SIK1 is on the minus strand). VCF-style: chr21-43421728-C-T. GRCh37 (hg19) VCF-style: chr21-44841608-C-T.
Other names: short protein forms V137M.
Identifiers: ClinVar variation 645895 (VCV000645895.9), dbSNP rs141382693, ClinGen allele CA321328134.

ClinVar aggregate classification (germline): Uncertain significance (1 of 4 stars; one submission).

Conditions:
Developmental and epileptic encephalopathy, 30 (DEE30). Also called: Epileptic encephalopathy, early infantile, 30. Identifiers: MedGen C4225360, MONDO:0014595, OMIM 616341.

Allele frequency attached by ClinVar (database versions not stated): ExAC 0.00001; gnomAD exomes 0.00001.

Submission:

Labcorp Genetics (formerly Invitae), Labcorp
Classification: Uncertain significance for Developmental and epileptic encephalopathy, 30. Last evaluated: 2018-11-14. Review status: criteria provided, single submitter. Criteria: Invitae Variant Classification Sherloc (09022015). Collection method: clinical testing. Allele origin: germline.
Comment: In summary, the available evidence is currently insufficient to determine the role of this variant in disease. Therefore, it has been classified as a Variant of Uncertain Significance. Algorithms developed to predict the effect of missense changes on protein structure and function are either unavailable or do not agree on the potential impact of this missense change (SIFT: "Deleterious"; PolyPhen-2: "Probably Damaging"; Align-GVGD: "Class C0"). This variant has not been reported in the literature in individuals with SIK1-related disease. This variant is present in population databases (rs141382693, ExAC 0.002%). This sequence change replaces valine with methionine at codon 137 of the SIK1 protein (p.Val137Met). The valine residue is highly conserved and there is a small physicochemical difference between valine and methionine.